The following is an entry in ClinVar:

ClinVar aggregate classification (germline): Uncertain significance (1 of 4 stars; one submission).

Submission:

Labcorp Genetics (formerly Invitae), Labcorp
Classification: Uncertain significance. Last evaluated: 2020-04-24. Review status: criteria provided, single submitter. Criteria: Invitae Variant Classification Sherloc (09022015). Collection method: clinical testing. Allele origin: germline.
Comment: In summary, the available evidence is currently insufficient to determine the role of this variant in disease. Therefore, it has been classified as a Variant of Uncertain Significance. Algorithms developed to predict the effect of missense changes on protein structure and function are either unavailable or do not agree on the potential impact of this missense change (SIFT: "Tolerated"; PolyPhen-2: "Probably Damaging"; Align-GVGD: "Class C0"). This variant has not been reported in the literature in individuals with MSH3-related conditions. This variant is not present in population databases (ExAC no frequency). This sequence change replaces phenylalanine with leucine at codon 709 of the MSH3 protein (p.Phe709Leu). The phenylalanine residue is moderately conserved and there is a small physicochemical difference between phenylalanine and leucine.

NM_002439.5(MSH3):c.2127C>A (p.Phe709Leu)

Gene: MSH3 (mutS homolog 3; plus strand). Cytogenetic location: 5q14.1.
Variant type: single nucleotide variant.
Coding change: c.2127C>A on transcript NM_002439.5 (MANE Select); coding-DNA position 2127, C replaced by A.
Protein change: p.Phe709Leu; replaces phenylalanine 709 with leucine.
Molecular consequence: missense variant.
Genome position (GRCh38, 1-based): chr5:80,768,877, C>A. VCF-style: chr5-80768877-C-A. GRCh37 (hg19) VCF-style: chr5-80064696-C-A.
Other names: short protein forms F709L.
Identifiers: ClinVar variation 953207 (VCV000953207.9), dbSNP rs1744168969, ClinGen allele CA360279318.
Genomic context (GRCh38, chr5:80,768,877, plus strand): 5'-CATGTTTTGATTTTTTAGAGTTGGGGATAAAACTGAATTATTTAAAGACCTTTCTGACTT[C>A]CCTTTAATAAAAAAGAGGAAGGATGAAATTCAAGGTGTTATTGACGAGATCCGAATGCAT-3'
Protein context (NP_002430.3, residues 699-719): KTELFKDLSD[Phe709Leu]PLIKKRKDEI